The following is an entry in ClinVar:

NM_052947.4(ALPK2):c.4772T>C (p.Ile1591Thr)

Genes: ALPK2 (alpha kinase 2; minus strand), LOC126862764 (BRD4-independent group 4 enhancer GRCh37_chr18:56202574-56203773; plus strand). Cytogenetic location: 18q21.31.
Variant type: single nucleotide variant.
Coding change: c.4772T>C on transcript NM_052947.4 (MANE Select); coding-DNA position 4772, T replaced by C.
Protein change: p.Ile1591Thr; replaces isoleucine 1591 with threonine.
Molecular consequence: missense variant.
Genome position (GRCh38, 1-based): chr18:58,535,415, A>G on the plus strand (T>C on the coding strand, the complement: ALPK2 is on the minus strand). VCF-style: chr18-58535415-A-G. GRCh37 (hg19) VCF-style: chr18-56202647-A-G.
Other names: short protein forms I1591T.
Identifiers: ClinVar variation 1742982 (VCV001742982.2), dbSNP rs1381440845, ClinGen allele CA402559890.
Genomic context (GRCh38, chr18:58,535,415, plus strand): 5'-GTACAAGGGAACCTGGTAAGATCAGGAGAAGAGGGCAAAGGTTTCCCACGCTCATTCTCA[A>G]TAGTTCCCCTTTTCTGTGAAACAGGAAACACATACTGACGCTTTCTGGGCTCAACTATGT-3'
Protein context (NP_443179.3, residues 1581-1601): VFPVSQKRGT[Ile1591Thr]ENERGKPLPS

ClinVar aggregate classification (germline): Uncertain significance (1 of 4 stars; one submission).

Allele frequency attached by ClinVar (database versions not stated): gnomAD exomes below 0.00001; TOPMed 0.00001.
gnomAD v4.1: 1 of 1,614,218 alleles (0.000062%); highest among the groups gnomAD compares: Non-Finnish European, 0.000085%; no homozygotes.

Submission:

Ambry Genetics
Classification: Uncertain significance. Last evaluated: 2024-02-26. Review status: criteria provided, single submitter. Criteria: Ambry Variant Classification Scheme 2023. Collection method: clinical testing. Allele origin: germline.
Comment: The p.I1591T variant (also known as c.4772T>C), located in coding exon 4 of the ALPK2 gene, results from a T to C substitution at nucleotide position 4772. The isoleucine at codon 1591 is replaced by threonine, an amino acid with similar properties. This amino acid position is conserved. In addition, this alteration is predicted to be tolerated by in silico analysis. Since supporting evidence is limited at this time, the clinical significance of this alteration remains unclear.